The following is an entry in ClinVar:

NM_000051.4(ATM):c.3168A>G (p.Ser1056=)

Gene: ATM (ATM serine/threonine kinase; plus strand). Cytogenetic location: 11q22.3.
Variant type: single nucleotide variant.
Coding change: c.3168A>G on transcript NM_000051.4 (MANE Select); coding-DNA position 3168, A replaced by G.
Protein change: p.Ser1056=; no amino-acid change (serine 1056 retained).
Molecular consequence: synonymous variant.
Genome position (GRCh38, 1-based): chr11:108,272,736, A>G. VCF-style: chr11-108272736-A-G. GRCh37 (hg19) VCF-style: chr11-108143463-A-G.
Other names: c.3168A>G, p.Ser1056= (NM_001351834.2).
Identifiers: ClinVar variation 1728384 (VCV001728384.9), dbSNP rs1397501856, ClinGen allele CA476745061.

ClinVar aggregate classification (germline): Benign/Likely benign. Review status: criteria provided, multiple submitters, no conflicts (2 of 4 stars). 4 submissions from 4 submitters: Benign (1); Likely benign (3). Last evaluated 2025-08-01.

Conditions:
Hereditary cancer-predisposing syndrome. Also called: Neoplastic Syndromes, Hereditary; Hereditary neoplastic syndrome; Hereditary Cancer Syndrome; Tumor predisposition. Identifiers: Orphanet 140162, MedGen C0027672, MeSH D009386, MONDO:0015356.
ATM-related disorder. Also called: ATM-related disorders; ATM-related condition.
Familial cancer of breast. Also called: BREAST CANCER, FAMILIAL; hereditary breast carcinoma; Hereditary breast cancer. Identifiers: Orphanet 227535, MedGen C0346153, MONDO:0016419, OMIM 114480. Disease mechanism: loss of function.
Ataxia-telangiectasia syndrome (AT). Also called: Cerebello-oculocutaneous telangiectasia; Immunodeficiency with ataxia telangiectasia; Ataxia-telangiectasia; Ataxia-telangiectasia, complementation group E; Ataxia-telangiectasia, complementation group D; AT, COMPLEMENTATION GROUP C. Identifiers: Orphanet 100, MedGen C0004135, MONDO:0008840, OMIM 208900.

Allele frequency attached by ClinVar (database versions not stated): TOPMed below 0.00001; gnomAD 0.00001.

Submissions (4):

PreventionGenetics, part of Exact Sciences
Classification: Likely benign for ATM-related condition. Last evaluated: 2025-08-01. Review status: criteria provided, single submitter. Criteria: ACMG Guidelines, 2015. Collection method: clinical testing. Allele origin: germline.
Comment: This variant is classified as likely benign based on ACMG/AMP sequence variant interpretation guidelines (Richards et al. 2015 PMID: 25741868, with internal and published modifications).

Myriad Genetics, Inc.
Classification: Benign for Familial cancer of breast. Last evaluated: 2024-05-13. Review status: criteria provided, single submitter. Criteria: Myriad Autosomal Dominant, Autosomal Recessive and X-Linked Classification Criteria (2023). Collection method: clinical testing. Allele origin: unknown.
Comment: This variant is considered benign. This variant is a silent/synonymous amino acid change and it is not expected to impact splicing.

Labcorp Genetics (formerly Invitae), Labcorp
Classification: Likely benign for Ataxia-telangiectasia syndrome. Last evaluated: 2023-03-29. Review status: criteria provided, single submitter. Criteria: Invitae Variant Classification Sherloc (09022015). Collection method: clinical testing. Allele origin: germline.

Ambry Genetics
Classification: Likely benign for Hereditary cancer-predisposing syndrome. Last evaluated: 2022-05-12. Review status: criteria provided, single submitter. Criteria: Ambry Variant Classification Scheme 2023. Collection method: clinical testing. Allele origin: germline.